The following is an entry in ClinVar:

NM_014845.6(FIG4):c.498-21A>G

Gene: FIG4 (FIG4 phosphoinositide 5-phosphatase; plus strand). Cytogenetic location: 6q21.
Variant type: single nucleotide variant.
Coding change: c.498-21A>G on transcript NM_014845.6 (MANE Select); 21 bases into the intron before coding-DNA position 498, A replaced by G.
Molecular consequence: intron variant.
Genome position (GRCh38, 1-based): chr6:109,735,129, A>G. VCF-style: chr6-109735129-A-G. GRCh37 (hg19) VCF-style: chr6-110056332-A-G.
Identifiers: ClinVar variation 4534281 (VCV004534281.6).

ClinVar aggregate classification (germline): Likely benign (1 of 4 stars; one submission).

gnomAD v4.1: 21 of 1,606,798 alleles (0.0013%); highest among the groups gnomAD compares: Non-Finnish European, 0.0016%; no homozygotes.

Submission:

CeGaT Center for Human Genetics Tuebingen
Classification: Likely benign. Last evaluated: 2025-10-01. Review status: criteria provided, single submitter. Criteria: CeGaT Center For Human Genetics Tuebingen Variant Classification Criteria Version 2. Collection method: clinical testing. Allele origin: germline. Affected: yes. Observed: 1 variant allele.
Comment: FIG4: BP4